The following is an entry in ClinVar:

NM_001540.5(HSPB1):c.91C>G (p.Gln31Glu)

Gene: HSPB1 (heat shock protein family B (small) member 1; plus strand). Cytogenetic location: 7q11.23.
Variant type: single nucleotide variant.
Coding change: c.91C>G on transcript NM_001540.5 (MANE Select); coding-DNA position 91, C replaced by G.
Protein change: p.Gln31Glu; replaces glutamine 31 with glutamic acid.
Molecular consequence: missense variant.
Genome position (GRCh38, 1-based): chr7:76,302,803, C>G. VCF-style: chr7-76302803-C-G. GRCh37 (hg19) VCF-style: chr7-75932120-C-G.
Other names: short protein forms Q31E.
Identifiers: ClinVar variation 1352864 (VCV001352864.8), dbSNP rs775728229, ClinGen allele CA4306252.

ClinVar aggregate classification (germline): Uncertain significance (1 of 4 stars; one submission).

Conditions:
Charcot-Marie-Tooth disease axonal type 2F (CMT2F). Also called: CHARCOT-MARIE-TOOTH DISEASE, NEURONAL, TYPE 2F; Charcot-Marie-Tooth Neuropathy Type 2F. Identifiers: Orphanet 99940, MedGen C1847823, MONDO:0011687, OMIM 606595.

Allele frequency attached by ClinVar (database versions not stated): ExAC 0.00001; gnomAD exomes 0.00001.
gnomAD v4.1: 5 of 1,608,626 alleles (0.00031%); highest among the groups gnomAD compares: East Asian, 0.0089%; no homozygotes.

Submission:

Labcorp Genetics (formerly Invitae), Labcorp
Classification: Uncertain significance for Charcot-Marie-Tooth disease axonal type 2F. Last evaluated: 2022-03-19. Review status: criteria provided, single submitter. Criteria: Invitae Variant Classification Sherloc (09022015). Collection method: clinical testing. Allele origin: germline.
Comment: This sequence change replaces glutamine, which is neutral and polar, with glutamic acid, which is acidic and polar, at codon 31 of the HSPB1 protein (p.Gln31Glu). This variant is present in population databases (rs775728229, gnomAD 0.01%). This variant has not been reported in the literature in individuals affected with HSPB1-related conditions. Advanced modeling of protein sequence and biophysical properties (such as structural, functional, and spatial information, amino acid conservation, physicochemical variation, residue mobility, and thermodynamic stability) performed at Invitae indicates that this missense variant is not expected to disrupt HSPB1 protein function. In summary, the available evidence is currently insufficient to determine the role of this variant in disease. Therefore, it has been classified as a Variant of Uncertain Significance.